The following is an entry in ClinVar:

NM_014363.6(SACS):c.7962T>G (p.Tyr2654Ter)

Gene: SACS (sacsin molecular chaperone; minus strand). Cytogenetic location: 13q12.12.
Variant type: single nucleotide variant.
Coding change: c.7962T>G on transcript NM_014363.6 (MANE Select); coding-DNA position 7962, T replaced by G.
Protein change: p.Tyr2654Ter; replaces tyrosine 2654 with a stop codon.
Molecular consequence: nonsense.
Genome position (GRCh38, 1-based): chr13:23,335,914, A>C on the plus strand (T>G on the coding strand, the complement: SACS is on the minus strand). VCF-style: chr13-23335914-A-C. GRCh37 (hg19) VCF-style: chr13-23910053-A-C.
Other names: c.7521T>G, p.Tyr2507Ter (NM_001278055.2); short protein forms Y2507*, Y2654*.
Identifiers: ClinVar variation 2137465 (VCV002137465.4), dbSNP rs777875035, ClinGen allele CA387517684.
Genomic context (GRCh38, chr13:23,335,914, plus strand): 5'-AAAATCTGCATCCAAATCTCTAAACATGCGTCCGGGACTAATGGATGTGGCCCCTGGTGC[A>C]TATCTGGCATGAGGATCAAAAATACACAGGATGTCATTGCCAGAAATAAAAGATGGGCAG-3'

ClinVar aggregate classification (germline): Pathogenic (1 of 4 stars; one submission).

Conditions:
Spastic paraplegia. Identifiers: MedGen C0037772, HP:0001258.

gnomAD v4.1: 7 of 1,613,122 alleles (0.00043%); highest among the groups gnomAD compares: Non-Finnish European, 0.00059%; no homozygotes.

Submission:

Labcorp Genetics (formerly Invitae), Labcorp
Classification: Pathogenic for Spastic paraplegia. Last evaluated: 2021-12-18. Review status: criteria provided, single submitter. Criteria: Invitae Variant Classification Sherloc (09022015). Collection method: clinical testing. Allele origin: germline.
Comment: For these reasons, this variant has been classified as Pathogenic. This variant disrupts a region of the SACS protein in which other variant(s) (p.Asn4549Asp) have been determined to be pathogenic (PMID: 15156359, 21507954). This suggests that this is a clinically significant region of the protein, and that variants that disrupt it are likely to be disease-causing. Algorithms developed to predict the effect of sequence changes on RNA splicing suggest that this variant may create or strengthen a splice site. This premature translational stop signal has been observed in individual(s) with clincal features of hereditary spastic paraplegia (PMID: 27600236). This variant is not present in population databases (gnomAD no frequency). This sequence change creates a premature translational stop signal (p.Tyr2654*) in the SACS gene. While this is not anticipated to result in nonsense mediated decay, it is expected to disrupt the last 1926 amino acid(s) of the SACS protein.

Literature cited by the submitters: PubMed 15156359; PubMed 21507954; PubMed 27600236.